The following is an entry in ClinVar:

ClinVar aggregate classification (germline): Uncertain significance (1 of 4 stars; one submission).

Allele frequency attached by ClinVar (database versions not stated): gnomAD exomes 0.00020; gnomAD 0.00007; ExAC 0.00010; ESP Exome Variant Server 0.00015; TOPMed 0.00010.
gnomAD v4.1: 289 of 1,613,774 alleles (0.018%); highest among the groups gnomAD compares: Non-Finnish European, 0.024%; 2 homozygotes.

Submission:

Labcorp Genetics (formerly Invitae), Labcorp
Classification: Uncertain significance. Last evaluated: 2025-04-08. Review status: criteria provided, single submitter. Criteria: Invitae Variant Classification Sherloc (09022015). Collection method: clinical testing. Allele origin: germline.
Comment: This sequence change replaces isoleucine, which is neutral and non-polar, with threonine, which is neutral and polar, at codon 1204 of the FOCAD protein (p.Ile1204Thr). This variant is present in population databases (rs142629368, gnomAD 0.02%). This variant has not been reported in the literature in individuals affected with FOCAD-related conditions. ClinVar contains an entry for this variant (Variation ID: 2865234). Experimental studies and prediction algorithms are not available or were not evaluated, and the functional significance of this variant is currently unknown. In summary, the available evidence is currently insufficient to determine the role of this variant in disease. Therefore, it has been classified as a Variant of Uncertain Significance.

NM_001375567.1(FOCAD):c.3611T>C (p.Ile1204Thr)

Gene: FOCAD (focadhesin; plus strand). Cytogenetic location: 9p21.3.
Variant type: single nucleotide variant.
Coding change: c.3611T>C on transcript NM_001375567.1 (MANE Select); coding-DNA position 3611, T replaced by C.
Protein change: p.Ile1204Thr; replaces isoleucine 1204 with threonine.
Molecular consequence: missense variant.
Genome position (GRCh38, 1-based): chr9:20,946,756, T>C. VCF-style: chr9-20946756-T-C. GRCh37 (hg19) VCF-style: chr9-20946755-T-C.
Other names: c.3506T>C, p.Ile1169Thr (NM_001375568.1, NM_001375570.1); c.3611T>C, p.Ile1204Thr (NM_017794.5); short protein forms I1204T, I1169T.
Identifiers: ClinVar variation 2865234 (VCV002865234.3), dbSNP rs142629368, ClinGen allele CA5007626.
Genomic context (GRCh38, chr9:20,946,756, plus strand): 5'-CTCAGGTCCTTGCCTACACACTTAGCTGTGTATGTACATCAGCGTTCAGTGCTGGAATTA[T>C]TGAGGCTACAGAGGCTGAGGATGTTATGAACAAGCTTCGACTGTTAGTGGAGAATAGCCA-3'
Protein context (NP_001362496.1, residues 1194-1214): VCTSAFSAGI[Ile1204Thr]EATEAEDVMN